The following is an entry in ClinVar:

NM_000384.3(APOB):c.10625G>A (p.Trp3542Ter)

Gene: APOB (apolipoprotein B; minus strand). Cytogenetic location: 2p24.1.
Variant type: single nucleotide variant.
Coding change: c.10625G>A on transcript NM_000384.3 (MANE Select); coding-DNA position 10625, G replaced by A.
Protein change: p.Trp3542Ter; replaces tryptophan 3542 with a stop codon.
Molecular consequence: nonsense.
Genome position (GRCh38, 1-based): chr2:21,006,243, C>T on the plus strand (G>A on the coding strand, the complement: APOB is on the minus strand). VCF-style: chr2-21006243-C-T. GRCh37 (hg19) VCF-style: chr2-21229115-C-T.
Other names: short protein forms W3542*.
Identifiers: ClinVar variation 3388716 (VCV003388716.14).

ClinVar aggregate classification (germline): Likely pathogenic (1 of 4 stars; one submission).

Submission:

CeGaT Center for Human Genetics Tuebingen
Classification: Likely pathogenic. Last evaluated: 2024-11-01. Review status: criteria provided, single submitter. Criteria: CeGaT Center For Human Genetics Tuebingen Variant Classification Criteria Version 2. Collection method: clinical testing. Allele origin: germline. Affected: yes. Observed: 1 variant allele.
Comment: APOB: PVS1:Strong, PM2